The following is an entry in ClinVar:

ClinVar aggregate classification (germline): Benign/Likely benign. Review status: criteria provided, multiple submitters, no conflicts (2 of 4 stars). 5 submissions from 5 submitters: Benign (1); Likely benign (3). 1 of the submissions does not count toward it. Last evaluated 2025-10-17.

Conditions:
MYH9-related disorder. Identifiers: MedGen C1854520.
Autosomal dominant nonsyndromic hearing loss 17. Also called: Deafness, autosomal dominant 17; Autosomal dominant nonsyndromic deafness 17. Identifiers: Orphanet 90635, MedGen C1863659, MONDO:0011350, OMIM 603622.
Macrothrombocytopenia and granulocyte inclusions with or without nephritis or sensorineural hearing loss (MATINS). Also called: MAY-HEGGLIN ANOMALY; BLEEDING DISORDER, PLATELET-TYPE, 6; DOHLE LEUKOCYTE INCLUSIONS WITH GIANT PLATELETS; SEBASTIAN PLATELET SYNDROME; MACROTHROMBOCYTOPENIA WITH DISPERSED LEUKOCYTIC INCLUSIONS; MACROTHROMBOCYTOPENIA, NEPHRITIS, AND DEAFNESS. Identifiers: Orphanet 182050, MedGen C5200934, MONDO:0015912, OMIM 155100.

Allele frequency attached by ClinVar (database versions not stated): gnomAD 0.00004; TOPMed 0.00008; 1000 Genomes Project 30x 0.00016; 1000 Genomes Project 0.00020.
gnomAD v4.1: 82 of 1,614,228 alleles (0.0051%); highest among the groups gnomAD compares: Admixed American, 0.12%; no homozygotes.

Submissions (5):

Labcorp Genetics (formerly Invitae), Labcorp
Classification: Benign. Last evaluated: 2025-10-17. Review status: criteria provided, single submitter. Criteria: Invitae Variant Classification Sherloc (09022015). Collection method: clinical testing. Allele origin: germline.

Women's Health and Genetics/Laboratory Corporation of America, LabCorp
Classification: Likely benign. Last evaluated: 2024-07-29. Review status: criteria provided, single submitter. Criteria: LabCorp Variant Classification Summary - May 2015. Collection method: clinical testing. Allele origin: germline.

Fulgent Genetics
Classification: Likely benign for Macrothrombocytopenia and granulocyte inclusions with or without nephritis or sensorineural hearing loss; Autosomal dominant nonsyndromic hearing loss 17. Last evaluated: 2021-09-03. Review status: criteria provided, single submitter. Criteria: ACMG Guidelines, 2015. Collection method: clinical testing. Allele origin: unknown.

Laboratory for Molecular Medicine, Mass General Brigham Personalized Medicine
Classification: Likely benign. Last evaluated: 2016-12-08. Review status: criteria provided, single submitter. Criteria: LMM Criteria. Collection method: clinical testing. Allele origin: germline. Observed: 1 variant allele.
Comment: p.Leu562Leu in exon 14 of MYH9: This variant is not expected to have clinical si gnificance because it does not alter an amino acid residue and is not located wi thin the splice consensus sequence. It has been identified in 0.2% (21/11578) of Latino chromosomes by the Exome Aggregation Consortium (ExAC; dbSNP rs199506577).

PreventionGenetics, part of Exact Sciences
Classification: Likely benign for MYH9-related condition. Last evaluated: 2022-07-25. Review status: no assertion criteria provided. Collection method: clinical testing. Allele origin: germline. Not counted in ClinVar's aggregate classification.
Comment: This variant is classified as likely benign based on ACMG/AMP sequence variant interpretation guidelines (Richards et al. 2015 PMID: 25741868, with internal and published modifications).

NM_002473.6(MYH9):c.1686G>A (p.Leu562=)

Gene: MYH9 (myosin heavy chain 9; minus strand). Cytogenetic location: 22q12.3.
Variant type: single nucleotide variant.
Coding change: c.1686G>A on transcript NM_002473.6 (MANE Select); coding-DNA position 1686, G replaced by A.
Protein change: p.Leu562=; no amino-acid change (leucine 562 retained).
Molecular consequence: synonymous variant.
Genome position (GRCh38, 1-based): chr22:36,312,091, C>T on the plus strand (G>A on the coding strand, the complement: MYH9 is on the minus strand). VCF-style: chr22-36312091-C-T. GRCh37 (hg19) VCF-style: chr22-36708136-C-T.
Identifiers: ClinVar variation 517199 (VCV000517199.17), dbSNP rs199506577, ClinGen allele CA10210231.